The following is an entry in ClinVar:

ClinVar aggregate classification (germline): Likely benign (1 of 4 stars; one submission).

Submission:

CeGaT Center for Human Genetics Tuebingen
Classification: Likely benign. Last evaluated: 2025-01-01. Review status: criteria provided, single submitter. Criteria: CeGaT Center For Human Genetics Tuebingen Variant Classification Criteria Version 2. Collection method: clinical testing. Allele origin: germline. Affected: yes. Observed: 1 variant allele.
Comment: WASH4P: BP4, BS2

NC_000016.10:g.16908C>T

Variant type: single nucleotide variant.
Genome position: GRCh38 VCF-style: chr16-16908-C-T. GRCh37 (hg19) VCF-style: chr16-66908-C-T.
Identifiers: ClinVar variation 3770830 (VCV003770830.13).